The following is an entry in ClinVar:

NM_001080517.3(SETD5):c.2876C>T (p.Pro959Leu)

Gene: SETD5 (SET domain containing 5; plus strand). Cytogenetic location: 3p25.3.
Variant type: single nucleotide variant.
Coding change: c.2876C>T on transcript NM_001080517.3 (MANE Select); coding-DNA position 2876, C replaced by T.
Protein change: p.Pro959Leu; replaces proline 959 with leucine.
Molecular consequence: missense variant.
Genome position (GRCh38, 1-based): chr3:9,470,610, C>T. VCF-style: chr3-9470610-C-T. GRCh37 (hg19) VCF-style: chr3-9512294-C-T.
Other names: c.2582C>T, p.Pro861Leu (NM_001292043.2, NM_001349451.2); short protein forms P861L, P959L.
Identifiers: ClinVar variation 1260228 (VCV001260228.32), dbSNP rs776223960, ClinGen allele CA2239570.

ClinVar aggregate classification (germline): Benign/Likely benign. Review status: criteria provided, multiple submitters, no conflicts (2 of 4 stars). 4 submissions from 4 submitters: Benign (1); Likely benign (3). Last evaluated 2025-11-09.

Conditions:
Inborn genetic diseases. Identifiers: MedGen C0950123, MeSH D030342.

Allele frequency attached by ClinVar (database versions not stated): gnomAD exomes 0.00002; ExAC 0.00003; TOPMed 0.00014; gnomAD 0.00024 and 0.00028.
gnomAD v4.1: 66 of 1,613,856 alleles (0.0041%); highest among the groups gnomAD compares: African/African-American, 0.081%; no homozygotes.

Submissions (4):

Labcorp Genetics (formerly Invitae), Labcorp
Classification: Benign. Last evaluated: 2025-11-09. Review status: criteria provided, single submitter. Criteria: Invitae Variant Classification Sherloc (09022015). Collection method: clinical testing. Allele origin: germline.

CeGaT Center for Human Genetics Tuebingen
Classification: Likely benign. Last evaluated: 2023-09-01. Review status: criteria provided, single submitter. Criteria: CeGaT Center For Human Genetics Tuebingen Variant Classification Criteria Version 2. Collection method: clinical testing. Allele origin: germline. Affected: yes. Observed: 1 variant allele.
Comment: SETD5: BP4, BS2

Ambry Genetics
Classification: Likely benign for Inborn genetic diseases. Last evaluated: 2021-08-13. Review status: criteria provided, single submitter. Criteria: Ambry Variant Classification Scheme 2023. Collection method: clinical testing. Allele origin: germline.

GeneDx
Classification: Likely benign. Last evaluated: 2018-11-15. Review status: criteria provided, single submitter. Criteria: GeneDx Variant Classification Process June 2021. Collection method: clinical testing. Allele origin: germline. Affected: yes.